The following is an entry in ClinVar:

NM_001220.5(CAMK2B):c.55G>A (p.Asp19Asn)

Gene: CAMK2B (calcium/calmodulin dependent protein kinase II beta; minus strand). Cytogenetic location: 7p13.
Variant type: single nucleotide variant.
Coding change: c.55G>A on transcript NM_001220.5 (MANE Select); coding-DNA position 55, G replaced by A.
Protein change: p.Asp19Asn; replaces aspartic acid 19 with asparagine.
Molecular consequence: missense variant.
Genome position (GRCh38, 1-based): chr7:44,325,367, C>T on the plus strand (G>A on the coding strand, the complement: CAMK2B is on the minus strand). VCF-style: chr7-44325367-C-T. GRCh37 (hg19) VCF-style: chr7-44364966-C-T.
Other names: c.55G>A, p.Asp19Asn (NM_001293170.2, NM_172078.3, NM_172079.3 and 5 more transcripts); short protein forms D19N.
Identifiers: ClinVar variation 2631760 (VCV002631760.1), dbSNP rs2483954422, ClinGen allele CA367553278.

ClinVar aggregate classification (germline): Uncertain significance (1 of 4 stars; one submission).

Conditions:
CAMK2B-related disorder. Also called: CAMK2B-related condition.

Submission:

PreventionGenetics, part of Exact Sciences
Classification: Uncertain significance for CAMK2B-related condition. Last evaluated: 2023-08-30. Review status: criteria provided, single submitter. Criteria: ACMG Guidelines, 2015. Collection method: clinical testing. Allele origin: germline.
Comment: The CAMK2B c.55G>A variant is predicted to result in the amino acid substitution p.Asp19Asn. To our knowledge, this variant has not been reported in the literature or in a large population database, indicating this variant is rare. At this time, the clinical significance of this variant is uncertain due to the absence of conclusive functional and genetic evidence.